The following is an entry in ClinVar:

ClinVar aggregate classification (germline): Uncertain significance (1 of 4 stars; one submission).

Submission:

GeneDx
Classification: Uncertain significance. Last evaluated: 2024-01-11. Review status: criteria provided, single submitter. Criteria: GeneDx Variant Classification Process June 2021. Collection method: clinical testing. Allele origin: germline. Affected: yes.
Comment: Not observed at significant frequency in large population cohorts (gnomAD); In silico analysis supports that this missense variant has a deleterious effect on protein structure/function; Has not been previously published as pathogenic or benign to our knowledge

NM_001282116.2(RFX3):c.472A>G (p.Thr158Ala)

Gene: RFX3 (regulatory factor X3; minus strand). Cytogenetic location: 9p24.2.
Variant type: single nucleotide variant.
Coding change: c.472A>G on transcript NM_001282116.2 (MANE Select); coding-DNA position 472, A replaced by G.
Protein change: p.Thr158Ala; replaces threonine 158 with alanine.
Molecular consequence: missense variant.
Genome position (GRCh38, 1-based): chr9:3,330,261, T>C on the plus strand (A>G on the coding strand, the complement: RFX3 is on the minus strand). VCF-style: chr9-3330261-T-C. GRCh37 (hg19) VCF-style: chr9-3330261-T-C.
Other names: c.472A>G, p.Thr158Ala (NM_001282117.2, NM_001377999.1, NM_002919.4 and 1 more transcripts); short protein forms T158A.
Identifiers: ClinVar variation 3367869 (VCV003367869.1).